The following is an entry in ClinVar:

ClinVar aggregate classification (germline): Likely benign (1 of 4 stars; one submission).

gnomAD v4.1: 25 of 1,510,588 alleles (0.0017%); highest among the groups gnomAD compares: Non-Finnish European, 0.002%; no homozygotes.

Submission:

CeGaT Center for Human Genetics Tuebingen
Classification: Likely benign. Last evaluated: 2025-07-01. Review status: criteria provided, single submitter. Criteria: CeGaT Center For Human Genetics Tuebingen Variant Classification Criteria Version 2. Collection method: clinical testing. Allele origin: germline. Affected: yes. Observed: 1 variant allele.
Comment: DOHH: BP4, BP7

NM_001145165.2(DOHH):c.660G>A (p.Ala220=)

Gene: DOHH (deoxyhypusine hydroxylase; minus strand). Cytogenetic location: 19p13.3.
Variant type: single nucleotide variant.
Coding change: c.660G>A on transcript NM_001145165.2 (MANE Select); coding-DNA position 660, G replaced by A.
Protein change: p.Ala220=; no amino-acid change (alanine 220 retained).
Molecular consequence: synonymous variant.
Genome position (GRCh38, 1-based): chr19:3,491,741, C>T on the plus strand (G>A on the coding strand, the complement: DOHH is on the minus strand). VCF-style: chr19-3491741-C-T. GRCh37 (hg19) VCF-style: chr19-3491739-C-T.
Other names: c.660G>A, p.Ala220= (NM_031304.5).
Identifiers: ClinVar variation 4084724 (VCV004084724.8).